The following is an entry in ClinVar:

NM_138387.4(G6PC3):c.322C>T (p.Pro108Ser)

Gene: G6PC3 (glucose-6-phosphatase catalytic subunit 3; plus strand). Cytogenetic location: 17q21.31.
Variant type: single nucleotide variant.
Coding change: c.322C>T on transcript NM_138387.4 (MANE Select); coding-DNA position 322, C replaced by T.
Protein change: p.Pro108Ser; replaces proline 108 with serine.
Molecular consequence: missense variant. On other transcripts: 5 prime UTR variant (4).
Genome position (GRCh38, 1-based): chr17:44,074,263, C>T. VCF-style: chr17-44074263-C-T. GRCh37 (hg19) VCF-style: chr17-42151631-C-T.
Other names: c.322C>T, p.Pro108Ser (NM_001319945.2); c.-24C>T (NM_001384165.1, NM_001384166.1, NM_001384167.1 and 1 more transcripts); short protein forms P108S.
Identifiers: ClinVar variation 4260974 (VCV004260974.1).

ClinVar aggregate classification (germline): Uncertain significance (1 of 4 stars; one submission).

Conditions:
Inborn genetic diseases. Identifiers: MedGen C0950123, MeSH D030342.

gnomAD v4.1: 1 of 1,605,448 alleles (0.000062%); highest among the groups gnomAD compares: Non-Finnish European, 0.000085%; no homozygotes.

Submission:

Ambry Genetics
Classification: Uncertain significance for Inborn genetic diseases. Last evaluated: 2025-06-25. Review status: criteria provided, single submitter. Criteria: Ambry Variant Classification Scheme 2023. Collection method: clinical testing. Allele origin: germline.
Comment: The p.P108S variant (also known as c.322C>T), located in coding exon 2 of the G6PC3 gene, results from a C to T substitution at nucleotide position 322. The proline at codon 108 is replaced by serine, an amino acid with similar properties. This amino acid position is conserved. In addition, the in silico prediction for this alteration is inconclusive. Based on the available evidence, the clinical significance of this variant remains unclear.